The following is an entry in ClinVar:

ClinVar aggregate classification (germline): Uncertain significance (1 of 4 stars; one submission).

Allele frequency attached by ClinVar (database versions not stated): ExAC 0.00001.

Submission:

Labcorp Genetics (formerly Invitae), Labcorp
Classification: Uncertain significance. Last evaluated: 2024-06-20. Review status: criteria provided, single submitter. Criteria: Invitae Variant Classification Sherloc (09022015). Collection method: clinical testing. Allele origin: germline.
Comment: This sequence change replaces arginine, which is basic and polar, with tryptophan, which is neutral and slightly polar, at codon 5 of the PLXNA2 protein (p.Arg5Trp). This variant is present in population databases (rs755693386, gnomAD 0.006%). This variant has not been reported in the literature in individuals affected with PLXNA2-related conditions. An algorithm developed to predict the effect of missense changes on protein structure and function (PolyPhen-2) suggests that this variant is likely to be tolerated. In summary, the available evidence is currently insufficient to determine the role of this variant in disease. Therefore, it has been classified as a Variant of Uncertain Significance.

NM_025179.4(PLXNA2):c.13C>T (p.Arg5Trp)

Gene: PLXNA2 (plexin A2; minus strand). Cytogenetic location: 1q32.2.
Variant type: single nucleotide variant.
Coding change: c.13C>T on transcript NM_025179.4 (MANE Select); coding-DNA position 13, C replaced by T.
Protein change: p.Arg5Trp; replaces arginine 5 with tryptophan.
Molecular consequence: missense variant.
Genome position (GRCh38, 1-based): chr1:208,217,910, G>A on the plus strand (C>T on the coding strand, the complement: PLXNA2 is on the minus strand). VCF-style: chr1-208217910-G-A. GRCh37 (hg19) VCF-style: chr1-208391255-G-A.
Other names: short protein forms R5W.
Identifiers: ClinVar variation 3012530 (VCV003012530.3), dbSNP rs755693386, ClinGen allele CA1374155.
Genomic context (GRCh38, chr1:208,217,910, plus strand): 5'-AGACCACTGAGAGCAGGACCACAGAGCGGCTGTCCACCTCCAGGGCCCGGGGCCAGGGCC[G>A]CCTCTGTTCCATGCTGAGAGGGGCGGCGGTGAGGAGACGGCTCCTGTGTGTGCTCATCTG-3'
Protein context (NP_079455.3, residues 1-15): MEQR[Arg5Trp]PWPRALEVDS